The following is an entry in ClinVar:

ClinVar aggregate classification (germline): Pathogenic. Review status: reviewed by expert panel (3 of 4 stars). 2 submissions from 2 submitters: Pathogenic (1). 1 of the submissions does not count toward it. Last evaluated 2016-10-18.

Conditions:
Breast-ovarian cancer, familial, susceptibility to, 2 (BROVCA2). Also called: BRCA2 Hereditary Breast and Ovarian Cancer. Identifiers: Orphanet 145, MedGen C2675520, MONDO:0012933, OMIM 612555. Disease mechanism: loss of function.

Submissions (2):

Evidence-based Network for the Interpretation of Germline Mutant Alleles (ENIGMA)
Classification: Pathogenic for Breast-ovarian cancer, familial, susceptibility to, 2. Last evaluated: 2016-10-18. Review status: reviewed by expert panel. Criteria: ENIGMA BRCA1/2 Classification Criteria (2015). Collection method: curation. Allele origin: germline.
Comment: Variant allele predicted to encode a truncated non-functional protein.

Consortium of Investigators of Modifiers of BRCA1/2 (CIMBA), c/o University of Cambridge
Classification: Pathogenic for Breast-ovarian cancer, familial, susceptibility to, 2. Last evaluated: 2015-10-02. Review status: criteria provided, single submitter. Criteria: CIMBA Mutation Classification guidelines May 2016. Collection method: clinical testing. Allele origin: germline. Not counted in ClinVar's aggregate classification.

NM_000059.4(BRCA2):c.8301del (p.Glu2769fs)

Gene: BRCA2 (BRCA2 DNA repair associated; plus strand). Cytogenetic location: 13q13.1.
Variant type: Deletion.
Coding change: c.8301del on transcript NM_000059.4 (MANE Select); coding-DNA position 8301, one base deleted (T; older notation c.8301delT).
Protein change: p.Glu2769fs; shifts the reading frame from glutamic acid 2769.
Molecular consequence: frameshift variant.
Genome position (GRCh38, 1-based): chr13:32,363,503, T deleted. VCF-style (leftmost placement, unchanged base first): chr13-32363502-CT-C. GRCh37 (hg19) VCF-style: chr13-32937639-CT-C.
Other names: 8529delT; short protein forms E2769fs.
Identifiers: ClinVar variation 267067 (VCV000267067.7), dbSNP rs886040757, ClinGen allele CA10589480.